The following is an entry in ClinVar:

NM_004333.6(BRAF):c.18T>C (p.Gly6=)

Gene: BRAF (B-Raf proto-oncogene, serine/threonine kinase; minus strand). Cytogenetic location: 7q34.
Variant type: single nucleotide variant.
Coding change: c.18T>C on transcript NM_004333.6 (MANE Select); coding-DNA position 18, T replaced by C.
Protein change: p.Gly6=; no amino-acid change (glycine 6 retained).
Molecular consequence: synonymous variant.
Genome position (GRCh38, 1-based): chr7:140,924,686, A>G on the plus strand (T>C on the coding strand, the complement: BRAF is on the minus strand). VCF-style: chr7-140924686-A-G. GRCh37 (hg19) VCF-style: chr7-140624486-A-G.
Other names: c.18T>C, p.Gly6= (NM_001354609.2, NM_001374244.1, NM_001374258.1 and 7 more transcripts).
Identifiers: ClinVar variation 3037001 (VCV003037001.2), dbSNP rs2536968714, ClinGen allele CA458124899.

ClinVar aggregate classification (germline): Likely benign (0 of 4 stars; one submission).

Conditions:
BRAF-related disorder. Also called: BRAF-related condition.

Submission:

PreventionGenetics, part of Exact Sciences
Classification: Likely benign for BRAF-related condition. Last evaluated: 2023-05-10. Review status: no assertion criteria provided. Collection method: clinical testing. Allele origin: germline.
Comment: This variant is classified as likely benign based on ACMG/AMP sequence variant interpretation guidelines (Richards et al. 2015 PMID: 25741868, with internal and published modifications).